The following is an entry in ClinVar:

NM_014336.5(AIPL1):c.97_104dup (p.Phe35delinsLeuTer)

Gene: AIPL1 (AIP like 1 HSP90 co-chaperone; minus strand). Cytogenetic location: 17p13.2.
Variant type: Duplication.
Coding change: c.97_104dup on transcript NM_014336.5 (MANE Select); coding-DNA positions 97 to 104, 8 bases duplicated (GTGATCTT; older notation c.97_104dupGTGATCTT).
Protein change: p.Phe35delinsLeuTer.
Molecular consequence: nonsense. On other transcripts: 5 prime UTR variant (1), intron variant (3).
Genome position (GRCh38, 1-based): chr17:6,434,091-6,434,098, AAGATCAC duplicated on the plus strand (GTGATCTT on the coding strand, the reverse complement: AIPL1 is on the minus strand). VCF-style (leftmost placement, unchanged base first): chr17-6434090-A-AAAGATCAC. GRCh37 (hg19) VCF-style: chr17-6337410-A-AAAGATCAC.
Other names: c.97_104dup, p.Phe35delinsLeuTer (NM_001033054.3, NM_001285401.3, NM_001285403.4); c.-21_-14dup (NM_001285402.2); c.96+911_96+918dup (NM_001033055.3); c.97-66_97-59dup (NM_001285400.3); c.97-36_97-29dup (NM_001285399.3).
Identifiers: ClinVar variation 916628 (VCV000916628.9), dbSNP rs776129172, ClinGen allele CA8328622.

ClinVar aggregate classification (germline): Pathogenic. Review status: criteria provided, multiple submitters, no conflicts (2 of 4 stars). 3 submissions from 3 submitters: Pathogenic (2). 1 of the submissions does not count toward it. Last evaluated 2023-05-26.

Conditions:
Leber congenital amaurosis 4 (LCA4). Identifiers: MedGen C1858386, MONDO:0011458, OMIM 604393.
AIPL1-related disorder. Also called: AIPL1-related condition; AIPL1-related disorders. Identifiers: MedGen CN239169.

Allele frequency attached by ClinVar (database versions not stated): gnomAD exomes below 0.00001 and 0.00001; ExAC 0.00001; gnomAD 0.00001; TOPMed 0.00001.

Submissions (3):

Labcorp Genetics (formerly Invitae), Labcorp
Classification: Pathogenic for Leber congenital amaurosis 4. Last evaluated: 2023-05-26. Review status: criteria provided, single submitter. Criteria: Invitae Variant Classification Sherloc (09022015). Collection method: clinical testing. Allele origin: germline.
Comment: Algorithms developed to predict the effect of sequence changes on RNA splicing suggest that this variant may disrupt the consensus splice site. This sequence change creates a premature translational stop signal (p.Phe35Leufs*2) in the AIPL1 gene. It is expected to result in an absent or disrupted protein product. Loss-of-function variants in AIPL1 are known to be pathogenic (PMID: 10615133, 15249368, 15347646). This variant is present in population databases (rs776129172, gnomAD 0.003%). This premature translational stop signal has been observed in individual(s) with Leber congenital amaurosis (PMID: 21474771). This variant is also known as 97_98ins8bpGTGATCTT (V34fs) and c.96_97insGTGATCTT (p.G31fs). ClinVar contains an entry for this variant (Variation ID: 916628). For these reasons, this variant has been classified as Pathogenic.

Blueprint Genetics
Classification: Pathogenic for AIPL1-related disorders. Last evaluated: 2021-01-26. Review status: criteria provided, single submitter. Criteria: ACMG Guidelines, 2015. Collection method: clinical testing. Allele origin: germline. Affected: yes. Observed: 2 variant alleles.

Laboratory of Genetics in Ophthalmology, Institut Imagine
Classification: Pathogenic for Leber congenital amaurosis 4. Review status: no assertion criteria provided. Collection method: research. Allele origin: inherited. Affected: yes. Observed: 2 variant alleles. Not counted in ClinVar's aggregate classification.

Literature cited by the submitters: PubMed 10615133 (cited by Labcorp Genetics (formerly Invitae), Labcorp); PubMed 15249368 (cited by Labcorp Genetics (formerly Invitae), Labcorp); PubMed 15347646 (cited by Labcorp Genetics (formerly Invitae), Labcorp); PubMed 21474771 (cited by Labcorp Genetics (formerly Invitae), Labcorp); PubMed 16123401 (cited by Laboratory of Genetics in Ophthalmology, Institut Imagine).